The following is an entry in ClinVar:

ClinVar aggregate classification (germline): Uncertain significance (1 of 4 stars; one submission).

Submission:

Labcorp Genetics (formerly Invitae), Labcorp
Classification: Uncertain significance. Last evaluated: 2025-12-06. Review status: criteria provided, single submitter. Criteria: Invitae Variant Classification Sherloc (09022015). Collection method: clinical testing. Allele origin: germline.
Comment: This sequence change replaces arginine, which is basic and polar, with glutamine, which is neutral and polar, at codon 3511 of the TRRAP protein (p.Arg3511Gln). This variant is not present in population databases (gnomAD no frequency). This variant has not been reported in the literature in individuals affected with TRRAP-related conditions. Invitae Evidence Modeling of protein sequence and biophysical properties (such as structural, functional, and spatial information, amino acid conservation, physicochemical variation, residue mobility, and thermodynamic stability) indicates that this missense variant is expected to disrupt TRRAP protein function with a positive predictive value of 80%. In summary, the available evidence is currently insufficient to determine the role of this variant in disease. Therefore, it has been classified as a Variant of Uncertain Significance.

NM_001375524.1(TRRAP):c.10661G>A (p.Arg3554Gln)

Gene: TRRAP (transformation/transcription domain associated protein; plus strand). Cytogenetic location: 7q22.1.
Variant type: single nucleotide variant.
Coding change: c.10661G>A on transcript NM_001375524.1 (MANE Select); coding-DNA position 10661, G replaced by A.
Protein change: p.Arg3554Gln; replaces arginine 3554 with glutamine.
Molecular consequence: missense variant.
Genome position (GRCh38, 1-based): chr7:99,005,256, G>A. VCF-style: chr7-99005256-G-A. GRCh37 (hg19) VCF-style: chr7-98602879-G-A.
Other names: c.10619G>A, p.Arg3540Gln (NM_001244580.2); c.10532G>A, p.Arg3511Gln (NM_003496.4); short protein forms R3540Q, R3511Q, R3554Q.
Identifiers: ClinVar variation 4760036 (VCV004760036.1).